The following is an entry in ClinVar:

ClinVar aggregate classification (germline): Benign. Review status: reviewed by expert panel (3 of 4 stars). 31 submissions from 31 submitters: Benign (1). 30 of the submissions do not count toward it. Last evaluated 2022-03-09.

Conditions:
ATM-related cancer predisposition. Also called: ATM-related cancer susceptibility. Identifiers: MedGen CN377759, MONDO:0700270.
Hereditary cancer-predisposing syndrome. Also called: Neoplastic Syndromes, Hereditary; Tumor predisposition; Hereditary neoplastic syndrome; Hereditary Cancer Syndrome. Identifiers: Orphanet 140162, MedGen C0027672, MeSH D009386, MONDO:0015356.
Breast and/or ovarian cancer. Identifiers: MedGen CN221562.
Ataxia-telangiectasia syndrome (AT). Also called: Ataxia-telangiectasia, complementation group D; AT, COMPLEMENTATION GROUP C; Ataxia telangiectasia (A-T); LOUIS-BAR SYNDROME; Cerebello-oculocutaneous telangiectasia; Immunodeficiency with ataxia telangiectasia. Identifiers: Orphanet 100, MedGen C0004135, MONDO:0008840, OMIM 208900.
Familial cancer of breast. Also called: Hereditary breast cancer; hereditary breast carcinoma; BREAST CANCER, FAMILIAL. Identifiers: Orphanet 227535, MedGen C0346153, MONDO:0016419, OMIM 114480. Disease mechanism: loss of function.
Hereditary breast ovarian cancer syndrome. Also called: Breast and ovarian cancer; BRCA1- and BRCA2-Associated Hereditary Breast and Ovarian Cancer; Hereditary breast and/or ovarian cancer syndrome; Hereditary breast and ovarian cancer syndrome; Hereditary breast and ovarian cancer; Hereditary breast and ovarian cancer syndrome (HBOC). Identifiers: Orphanet 145, MedGen C0677776, MeSH D061325, MONDO:0003582. Disease mechanism: loss of function.
Malignant tumor of breast. Also called: Malignant breast neoplasm; Cancer breast. Identifiers: MedGen C0006142, MONDO:0007254. Disease mechanism: loss of function.

Allele frequency attached by ClinVar (database versions not stated): gnomAD 0.01296 and 0.01393; TOPMed 0.01515; ESP Exome Variant Server 0.01600; 1000 Genomes Project 0.01637; 1000 Genomes Project 30x 0.01686.
gnomAD v4.1: 3,896 of 1,613,904 alleles (0.24%); highest among the groups gnomAD compares: African/African-American, 4.4%; 92 homozygotes.

Submissions 1 to 20 of 31:

ClinGen Hereditary Breast, Ovarian and Pancreatic Cancer Variant Curation Expert Panel, ClinGen
Classification: Benign for ATM-related cancer predisposition. Last evaluated: 2022-03-09. Review status: reviewed by expert panel. Criteria: clingen hbop acmg specifications atm v1-1. Collection method: curation. Allele origin: germline. Inheritance: Autosomal dominant inheritance.
Comment: The ATM c.2614C>T (p.Pro872Ser) variant has a GnomAD FAF 4.6% (AFR) exceeding ATM BA1 threshold of .5% (BA1). This variant has been observed in a homozygous or compound heterozygous state (presumed and/or confirmed) in multiple individuals without Ataxia-Telangiectasia (BP2_Strong, Clinical Diagnostic Laboratories). This variant is predicted tolerated by multiple protein in silico tools (BP4). In summary, this variant meets criteria to be classified as benign. ACMG/AMP criteria applied, as specified by the HBOP Variant Curation Expert Panel.

CeGaT Center for Human Genetics Tuebingen
Classification: Benign. Last evaluated: 2026-07-01. Review status: criteria provided, single submitter. Criteria: CeGaT Center For Human Genetics Tuebingen Variant Classification Criteria Version 2. Collection method: clinical testing. Allele origin: germline. Affected: yes. Observed: 24 variant alleles. Not counted in ClinVar's aggregate classification.
Comment: ATM: BP4, BS1, BS2

Labcorp Genetics (formerly Invitae), Labcorp
Classification: Benign for Ataxia-telangiectasia syndrome. Last evaluated: 2026-02-04. Review status: criteria provided, single submitter. Criteria: Invitae Variant Classification Sherloc (09022015). Collection method: clinical testing. Allele origin: germline. Not counted in ClinVar's aggregate classification.

ARUP Laboratories, Molecular Genetics and Genomics, ARUP Laboratories
Classification: Benign. Last evaluated: 2025-07-07. Review status: criteria provided, single submitter. Criteria: ARUP Molecular Germline Variant Investigation Process 2024. Collection method: clinical testing. Allele origin: germline. Not counted in ClinVar's aggregate classification.

Center for Genomic Medicine, Rigshospitalet, Copenhagen University Hospital
Classification: Benign. Last evaluated: 2025-03-04. Review status: criteria provided, single submitter. Criteria: ACMG Guidelines, 2015. Collection method: clinical testing. Allele origin: germline. Not counted in ClinVar's aggregate classification.

Mayo Clinic Laboratories, Mayo Clinic
Classification: Benign. Last evaluated: 2024-11-12. Review status: criteria provided, single submitter. Criteria: ACMG Guidelines, 2015. Collection method: clinical testing. Allele origin: germline. Observed: 14 variant alleles. Not counted in ClinVar's aggregate classification.
Comment: BA1, BP4

Myriad Genetics, Inc.
Classification: Benign for Familial cancer of breast. Last evaluated: 2024-05-09. Review status: criteria provided, single submitter. Criteria: Myriad Autosomal Dominant, Autosomal Recessive and X-Linked Classification Criteria (2023). Collection method: clinical testing. Allele origin: unknown. Not counted in ClinVar's aggregate classification.
Comment: This variant is considered benign. This variant is strongly associated with less severe personal and family histories of cancer, typical for individuals without pathogenic variants in this gene [PMID: 25085752]. This variant has been observed at a population frequency that is significantly greater than expected given the associated disease prevalence and penetrance.

KCCC/NGS Laboratory, Kuwait Cancer Control Center
Classification: Benign for Familial cancer of breast. Last evaluated: 2023-07-07. Review status: criteria provided, single submitter. Criteria: ACMG Guidelines, 2015. Collection method: clinical testing. Allele origin: germline. Affected: yes. Not counted in ClinVar's aggregate classification.

National Health Laboratory Service, Universitas Academic Hospital and University of the Free State
Classification: Benign for Hereditary breast ovarian cancer syndrome. Last evaluated: 2022-04-19. Review status: criteria provided, single submitter. Criteria: ACMG Guidelines, 2015. Collection method: clinical testing. Allele origin: germline. Affected: yes. Observed: 9 variant alleles. Not counted in ClinVar's aggregate classification.

Fulgent Genetics
Classification: Likely benign for Familial cancer of breast; Ataxia-telangiectasia syndrome. Last evaluated: 2022-03-22. Review status: criteria provided, single submitter. Criteria: ACMG Guidelines, 2015. Collection method: clinical testing. Allele origin: unknown. Not counted in ClinVar's aggregate classification.

CHEO Genetics Diagnostic Laboratory, Children's Hospital of Eastern Ontario
Classification: Benign for Breast and/or ovarian cancer. Last evaluated: 2021-07-02. Review status: criteria provided, single submitter. Criteria: ACMG Guidelines, 2015. Collection method: clinical testing. Allele origin: germline. Not counted in ClinVar's aggregate classification.

Sema4
Classification: Benign for Hereditary cancer-predisposing syndrome. Last evaluated: 2020-03-21. Review status: criteria provided, single submitter. Criteria: Sema4 Curation Guidelines. Collection method: curation. Allele origin: germline. Not counted in ClinVar's aggregate classification.

Athena Diagnostics
Classification: Benign. Last evaluated: 2018-05-30. Review status: criteria provided, single submitter. Criteria: Athena Diagnostics Criteria. Collection method: clinical testing. Allele origin: germline. Not counted in ClinVar's aggregate classification.

Illumina Laboratory Services, Illumina
Classification: Likely benign for Ataxia-telangiectasia syndrome. Last evaluated: 2017-04-27. Review status: criteria provided, single submitter. Criteria: ICSL Variant Classification Criteria 13 December 2019. Collection method: clinical testing. Allele origin: germline. Not counted in ClinVar's aggregate classification.
Comment: This variant was observed as part of a predisposition screen in an ostensibly healthy population. A literature search was performed for the gene, cDNA change, and amino acid change (where applicable). Publications were found based on this search. The evidence from the literature, in combination with allele frequency data from public databases where available, was sufficient to determine this variant is unlikely to cause disease. Therefore, this variant is classified as likely benign.

PreventionGenetics, part of Exact Sciences
Classification: Benign. Last evaluated: 2016-10-21. Review status: criteria provided, single submitter. Criteria: ACMG Guidelines, 2015. Collection method: clinical testing. Allele origin: germline. Not counted in ClinVar's aggregate classification.

Center for Pediatric Genomic Medicine, Children's Mercy Hospital and Clinics
Classification: Benign. Last evaluated: 2015-12-22. Review status: criteria provided, single submitter. Criteria: ACMG Guidelines, 2015. Collection method: clinical testing. Allele origin: germline. Not counted in ClinVar's aggregate classification.

Eurofins Ntd Llc (ga)
Classification: Benign. Last evaluated: 2015-02-16. Review status: criteria provided, single submitter. Criteria: EGL Classification Definitions 2015. Collection method: clinical testing. Allele origin: germline. Observed: 1 variant allele, 1 heterozygote. Not counted in ClinVar's aggregate classification.

Ambry Genetics
Classification: Benign for Hereditary cancer-predisposing syndrome. Last evaluated: 2014-11-25. Review status: criteria provided, single submitter. Criteria: Ambry Variant Classification Scheme 2023. Collection method: clinical testing. Allele origin: germline. Not counted in ClinVar's aggregate classification.

Color Diagnostics, LLC DBA Color Health
Classification: Benign for Hereditary cancer-predisposing syndrome. Last evaluated: 2014-11-05. Review status: criteria provided, single submitter. Criteria: ACMG Guidelines, 2015. Collection method: clinical testing. Allele origin: germline. Not counted in ClinVar's aggregate classification.

GeneDx
Classification: Benign. Last evaluated: 2013-10-01. Review status: criteria provided, single submitter. Criteria: GeneDx Variant Classification (06012015). Collection method: clinical testing. Allele origin: germline. Affected: yes. Not counted in ClinVar's aggregate classification.
Comment: This variant is considered likely benign or benign based on one or more of the following criteria: it is a conservative change, it occurs at a poorly conserved position in the protein, it is predicted to be benign by multiple in silico algorithms, and/or has population frequency not consistent with disease.

NM_000051.4(ATM):c.2614C>T (p.Pro872Ser)

Gene: ATM (ATM serine/threonine kinase; plus strand). Cytogenetic location: 11q22.3.
Variant type: single nucleotide variant.
Coding change: c.2614C>T on transcript NM_000051.4 (MANE Select); coding-DNA position 2614, C replaced by T.
Protein change: p.Pro872Ser; replaces proline 872 with serine.
Molecular consequence: missense variant.
Genome position (GRCh38, 1-based): chr11:108,267,318, C>T. VCF-style: chr11-108267318-C-T. GRCh37 (hg19) VCF-style: chr11-108138045-C-T.
Other names: p.P872S:CCT>TCT; NM_000051.3(ATM):c.2614C>T; NP_000042.3:p.Pro872Ser; c.2614C>T, p.Pro872Ser (NM_001351834.2); short protein forms P872S.
Identifiers: ClinVar variation 133610 (VCV000133610.77), dbSNP rs3218673, ClinGen allele CA157083.